The following is an entry in ClinVar:

NM_006147.4(IRF6):c.928G>C (p.Ala310Pro)

Gene: IRF6 (interferon regulatory factor 6; minus strand). Cytogenetic location: 1q32.2.
Variant type: single nucleotide variant.
Coding change: c.928G>C on transcript NM_006147.4 (MANE Select); coding-DNA position 928, G replaced by C.
Protein change: p.Ala310Pro; replaces alanine 310 with proline.
Molecular consequence: missense variant.
Genome position (GRCh38, 1-based): chr1:209,790,627, C>G on the plus strand (G>C on the coding strand, the complement: IRF6 is on the minus strand). VCF-style: chr1-209790627-C-G. GRCh37 (hg19) VCF-style: chr1-209963972-C-G.
Other names: c.643G>C, p.Ala215Pro (NM_001206696.2); short protein forms A215P, A310P.
Identifiers: ClinVar variation 2947839 (VCV002947839.3), dbSNP rs757794636, ClinGen allele CA344575790.

ClinVar aggregate classification (germline): Likely pathogenic (1 of 4 stars; one submission).

Conditions:
Popliteal pterygium syndrome (PPS). Identifiers: Orphanet 294963, MedGen C0265259, MONDO:0017435.
Van der Woude syndrome. Identifiers: Orphanet 888, MedGen C0175697, MONDO:0019508.
Orofacial cleft 6, susceptibility to (OFC6). Also called: CLEFT LIP WITH OR WITHOUT CLEFT PALATE, NONSYNDROMIC, 6. Identifiers: MedGen C1837213, MONDO:0012141, OMIM 608864.

Submission:

Labcorp Genetics (formerly Invitae), Labcorp
Classification: Likely pathogenic for Orofacial cleft 6, susceptibility to; Van der Woude syndrome; Popliteal pterygium syndrome. Last evaluated: 2023-07-24. Review status: criteria provided, single submitter. Criteria: Invitae Variant Classification Sherloc (09022015). Collection method: clinical testing. Allele origin: germline.
Comment: In summary, the currently available evidence indicates that the variant is pathogenic, but additional data are needed to prove that conclusively. Therefore, this variant has been classified as Likely Pathogenic. Advanced modeling of protein sequence and biophysical properties (such as structural, functional, and spatial information, amino acid conservation, physicochemical variation, residue mobility, and thermodynamic stability) performed at Invitae indicates that this missense variant is not expected to disrupt IRF6 protein function. This missense change has been observed in individual(s) with clinical features of IRF6-related condition (Invitae). In at least one individual the variant was observed to be de novo. This variant is not present in population databases (gnomAD no frequency). This sequence change replaces alanine, which is neutral and non-polar, with proline, which is neutral and non-polar, at codon 310 of the IRF6 protein (p.Ala310Pro).